The following is an entry in ClinVar:

ClinVar aggregate classification (germline): Uncertain significance (1 of 4 stars; one submission).

Conditions:
Early Myoclonic Encephalopathy. Identifiers: MedGen C0270855.

Allele frequency attached by ClinVar (database versions not stated): gnomAD 0.00003; TOPMed 0.00002; ESP Exome Variant Server 0.00008; gnomAD exomes 0.00001; ExAC 0.00002.
gnomAD v4.1: 18 of 1,614,050 alleles (0.0011%); highest among the groups gnomAD compares: African/African-American, 0.004%; no homozygotes.

Submission:

Labcorp Genetics (formerly Invitae), Labcorp
Classification: Uncertain significance for Early Myoclonic Encephalopathy. Last evaluated: 2025-10-15. Review status: criteria provided, single submitter. Criteria: Invitae Variant Classification Sherloc (09022015). Collection method: clinical testing. Allele origin: germline.
Comment: This sequence change replaces isoleucine, which is neutral and non-polar, with threonine, which is neutral and polar, at codon 510 of the JMJD1C protein (p.Ile510Thr). This variant is present in population databases (rs371173613, gnomAD 0.003%). This variant has not been reported in the literature in individuals affected with JMJD1C-related conditions. ClinVar contains an entry for this variant (Variation ID: 460218). Invitae Evidence Modeling of protein sequence and biophysical properties (such as structural, functional, and spatial information, amino acid conservation, physicochemical variation, residue mobility, and thermodynamic stability) indicates that this missense variant is not expected to disrupt JMJD1C protein function with a negative predictive value of 80%. In summary, the available evidence is currently insufficient to determine the role of this variant in disease. Therefore, it has been classified as a Variant of Uncertain Significance.

NM_032776.3(JMJD1C):c.1529T>C (p.Ile510Thr)

Gene: JMJD1C (jumonji domain containing 1C; minus strand). Cytogenetic location: 10q21.3.
Variant type: single nucleotide variant.
Coding change: c.1529T>C on transcript NM_032776.3 (MANE Select); coding-DNA position 1529, T replaced by C.
Protein change: p.Ile510Thr; replaces isoleucine 510 with threonine.
Molecular consequence: missense variant. On other transcripts: non-coding transcript variant (1).
Genome position (GRCh38, 1-based): chr10:63,214,638, A>G on the plus strand (T>C on the coding strand, the complement: JMJD1C is on the minus strand). VCF-style: chr10-63214638-A-G. GRCh37 (hg19) VCF-style: chr10-64974398-A-G.
Other names: c.983T>C, p.Ile328Thr (NM_001282948.2, NM_001318154.2); c.665T>C, p.Ile222Thr (NM_001318153.2); c.1415T>C, p.Ile472Thr (NM_001322252.2); c.872T>C, p.Ile291Thr (NM_001322254.2, NM_001322258.2); short protein forms I510T, I328T, I472T, I222T, I291T.
Identifiers: ClinVar variation 460218 (VCV000460218.8), dbSNP rs371173613, ClinGen allele CA5518791.